The following is an entry in ClinVar:

ClinVar aggregate classification (germline): Likely pathogenic (1 of 4 stars; one submission).

Conditions:
Autosomal recessive congenital ichthyosis 1 (LI1). Also called: COLLODION FETUS; DESQUAMATION OF NEWBORN; ICHTHYOSIS CONGENITA; ICHTHYOSIS CONGENITA II; LAMELLAR EXFOLIATION OF NEWBORN; ICHTHYOSIS, CONGENITAL, AUTOSOMAL RECESSIVE 1, WITH BATHING SUIT DISTRIBUTION. Identifiers: MedGen C4551630, MONDO:0009441, OMIM 242300.

gnomAD v4.1: 1 of 1,614,162 alleles (0.000062%); highest among the groups gnomAD compares: Non-Finnish European, 0.000085%; no homozygotes.

Submission:

Natera, Inc.
Classification: Likely pathogenic for Autosomal recessive congenital ichthyosis type 1. Last evaluated: 2024-11-19. Review status: criteria provided, single submitter. Criteria: Natera Variant Classification Schema (03/2026). Collection method: clinical testing. Allele origin: germline.
Comment: The c.620T>C variant in TGM1 is a missense variant predicted to cause substitution of leucine to proline at amino acid 207. This variant is rare in the general population with a frequency below the threshold expected for the associated phenotype(s). This variant has been observed in one or more individuals affected with the associated recessive disease, as either homozygous or compound heterozygous with a second variant (PMID: 31168818). Computational prediction algorithms indicate this variant is likely to affect gene or protein function. Given the available evidence, this variant is classified as Likely Pathogenic.

Literature cited by the submitters: PubMed 31168818.

NM_000359.3(TGM1):c.620T>C (p.Leu207Pro)

Gene: TGM1 (transglutaminase 1; minus strand). Cytogenetic location: 14q12.
Variant type: single nucleotide variant.
Coding change: c.620T>C on transcript NM_000359.3 (MANE Select); coding-DNA position 620, T replaced by C.
Protein change: p.Leu207Pro; replaces leucine 207 with proline.
Molecular consequence: missense variant.
Genome position (GRCh38, 1-based): chr14:24,260,587, A>G on the plus strand (T>C on the coding strand, the complement: TGM1 is on the minus strand). VCF-style: chr14-24260587-A-G. GRCh37 (hg19) VCF-style: chr14-24729793-A-G.
Other names: short protein forms L207P.
Identifiers: ClinVar variation 4818268 (VCV004818268.1).